The following is an entry in ClinVar:

NM_177438.3(DICER1):c.2848G>A (p.Val950Met)

Gene: DICER1 (dicer 1, ribonuclease III; minus strand). Cytogenetic location: 14q32.13.
Variant type: single nucleotide variant.
Coding change: c.2848G>A on transcript NM_177438.3 (MANE Select); coding-DNA position 2848, G replaced by A.
Protein change: p.Val950Met; replaces valine 950 with methionine.
Molecular consequence: missense variant. On other transcripts: non-coding transcript variant (6).
Genome position (GRCh38, 1-based): chr14:95,106,180, C>T on the plus strand (G>A on the coding strand, the complement: DICER1 is on the minus strand). VCF-style: chr14-95106180-C-T. GRCh37 (hg19) VCF-style: chr14-95572517-C-T.
Other names: c.2848G>A, p.Val950Met (NM_001195573.1, NM_001271282.3, NM_001291628.2 and 13 more transcripts); c.2566G>A, p.Val856Met (NM_001395686.1); c.2443G>A, p.Val815Met (NM_001395687.1, NM_001395688.1, NM_001395689.1 and 2 more transcripts); c.2281G>A, p.Val761Met (NM_001395691.1); c.1165G>A, p.Val389Met (NM_001395697.1); short protein forms V815M, V856M, V761M, V950M, V389M.
Identifiers: ClinVar variation 1796794 (VCV001796794.2), dbSNP rs2542790323, ClinGen allele CA390879179.

ClinVar aggregate classification (germline): Uncertain significance (1 of 4 stars; one submission).

Conditions:
Hereditary cancer-predisposing syndrome. Also called: Tumor predisposition; Hereditary Cancer Syndrome; Neoplastic Syndromes, Hereditary; Hereditary neoplastic syndrome. Identifiers: Orphanet 140162, MedGen C0027672, MeSH D009386, MONDO:0015356.

Allele frequency attached by ClinVar (database versions not stated): gnomAD exomes below 0.00001.

Submission:

Ambry Genetics
Classification: Uncertain significance for Hereditary cancer-predisposing syndrome. Last evaluated: 2021-02-05. Review status: criteria provided, single submitter. Criteria: Ambry Variant Classification Scheme 2023. Collection method: clinical testing. Allele origin: germline.
Comment: The p.V950M variant (also known as c.2848G>A), located in coding exon 17 of the DICER1 gene, results from a G to A substitution at nucleotide position 2848. The valine at codon 950 is replaced by methionine, an amino acid with highly similar properties. This amino acid position is highly conserved in available vertebrate species. In addition, the in silico prediction for this alteration is inconclusive. Since supporting evidence is limited at this time, the clinical significance of this alteration remains unclear.